The following is an entry in ClinVar:

ClinVar aggregate classification (germline): Pathogenic (1 of 4 stars; one submission).

Conditions:
Kleefstra syndrome 1 (KLEFS1). Identifiers: Orphanet 261494, MedGen C0795833, MONDO:0027407, OMIM 610253.

Submission:

Labcorp Genetics (formerly Invitae), Labcorp
Classification: Pathogenic for Kleefstra syndrome 1. Last evaluated: 2022-06-19. Review status: criteria provided, single submitter. Criteria: Invitae Variant Classification Sherloc (09022015). Collection method: clinical testing. Allele origin: germline.
Comment: For these reasons, this variant has been classified as Pathogenic. This variant has not been reported in the literature in individuals affected with EHMT1-related conditions. This variant is a gross deletion of the genomic region encompassing exon(s) 1-10 of the EHMT1 gene, which includes the initiator codon. This deletion extends beyond the assayed region for this gene and therefore may encompass additional genes. It is expected to result in an absent or disrupted protein product. Loss-of-function variants in EHMT1 are known to be pathogenic (PMID: 16826528, 19264732).

Literature cited by the submitters: PubMed 16826528; PubMed 19264732.

NC_000009.11:g.(?_140513481)_(140657292_?)del

Gene: EHMT1 (euchromatic histone lysine methyltransferase 1; plus strand). Cytogenetic location: 9q34.3.
Variant type: Deletion.
Identifiers: ClinVar variation 2426881 (VCV002426881.5).